The following is an entry in ClinVar:

NM_001291303.3(FAT4):c.127G>A (p.Ala43Thr)

Gene: FAT4 (FAT atypical cadherin 4; plus strand). Cytogenetic location: 4q28.1.
Variant type: single nucleotide variant.
Coding change: c.127G>A on transcript NM_001291303.3 (MANE Select); coding-DNA position 127, G replaced by A.
Protein change: p.Ala43Thr; replaces alanine 43 with threonine.
Molecular consequence: missense variant. On other transcripts: intron variant (1).
Genome position (GRCh38, 1-based): chr4:125,316,538, G>A. VCF-style: chr4-125316538-G-A. GRCh37 (hg19) VCF-style: chr4-126237693-G-A.
Other names: c.127G>A, p.Ala43Thr (NM_001291285.3, NM_001438396.1, NM_001438397.1 and 1 more transcripts); c.-55+561G>A (NM_001437895.1); short protein forms A43T.
Identifiers: ClinVar variation 4991794 (VCV004991794.1).

ClinVar aggregate classification (germline): Uncertain significance (1 of 4 stars; one submission).

Conditions:
FAT4-related disorder. Also called: FAT4-related condition.

Submission:

PreventionGenetics, part of Exact Sciences
Classification: Uncertain significance for FAT4-related condition. Last evaluated: 2026-07-09. Review status: criteria provided, single submitter. Criteria: ACMG Guidelines, 2015. Collection method: clinical testing. Allele origin: germline.
Comment: The FAT4 c.127G>A variant is predicted to result in the amino acid substitution p.Ala43Thr. To our knowledge, this variant has not been reported in the literature. This variant is reported in 0.0058% of alleles in individuals of Latino descent in gnomAD. At this time, the clinical significance of this variant is uncertain due to the absence of conclusive functional and genetic evidence.